The following is an entry in ClinVar:

NM_004170.6(SLC1A1):c.311T>C (p.Ile104Thr)

Gene: SLC1A1 (solute carrier family 1 member 1; plus strand). Cytogenetic location: 9p24.2.
Variant type: single nucleotide variant.
Coding change: c.311T>C on transcript NM_004170.6 (MANE Select); coding-DNA position 311, T replaced by C.
Protein change: p.Ile104Thr; replaces isoleucine 104 with threonine.
Molecular consequence: missense variant.
Genome position (GRCh38, 1-based): chr9:4,561,527, T>C. VCF-style: chr9-4561527-T-C. GRCh37 (hg19) VCF-style: chr9-4561527-T-C.
Other names: short protein forms I104T.
Identifiers: ClinVar variation 367041 (VCV000367041.23), dbSNP rs147832850, ClinGen allele CA4968917.

ClinVar aggregate classification (germline): Conflicting classifications of pathogenicity. Review status: criteria provided, conflicting classifications (1 of 4 stars). 2 submissions from 2 submitters: Uncertain significance (1); Likely benign (1). Last evaluated 2024-06-01.

Conditions:
Dicarboxylic aminoaciduria (DCBXA). Also called: GLUTAMATE-ASPARTATE TRANSPORT DEFECT. Identifiers: Orphanet 2195, MedGen C1857253, MONDO:0009110, OMIM 222730.

Allele frequency attached by ClinVar (database versions not stated): ESP Exome Variant Server 0.00062; TOPMed 0.00070; gnomAD 0.00072 and 0.00074; ExAC 0.00084.
gnomAD v4.1: 1,041 of 1,579,768 alleles (0.066%); highest among the groups gnomAD compares: Non-Finnish European, 0.013%; 10 homozygotes.

Submissions (2):

CeGaT Center for Human Genetics Tuebingen
Classification: Likely benign. Last evaluated: 2024-06-01. Review status: criteria provided, single submitter. Criteria: CeGaT Center For Human Genetics Tuebingen Variant Classification Criteria Version 2. Collection method: clinical testing. Allele origin: germline. Affected: yes. Observed: 1 variant allele.
Comment: SLC1A1: BS2

Illumina Laboratory Services, Illumina
Classification: Uncertain significance for Dicarboxylic aminoaciduria. Last evaluated: 2018-01-13. Review status: criteria provided, single submitter. Criteria: ICSL Variant Classification Criteria 13 December 2019. Collection method: clinical testing. Allele origin: germline.